The following is an entry in ClinVar:

NM_006231.4(POLE):c.4358G>A (p.Arg1453Lys)

Gene: POLE (DNA polymerase epsilon, catalytic subunit; minus strand). Cytogenetic location: 12q24.33.
Variant type: single nucleotide variant.
Coding change: c.4358G>A on transcript NM_006231.4 (MANE Select); coding-DNA position 4358, G replaced by A.
Protein change: p.Arg1453Lys; replaces arginine 1453 with lysine.
Molecular consequence: missense variant.
Genome position (GRCh38, 1-based): chr12:132,643,493, C>T on the plus strand (G>A on the coding strand, the complement: POLE is on the minus strand). VCF-style: chr12-132643493-C-T. GRCh37 (hg19) VCF-style: chr12-133220079-C-T.
Other names: short protein forms R1453K.
Identifiers: ClinVar variation 4862315 (VCV004862315.1).
Genomic context (GRCh38, chr12:132,643,493, plus strand): 5'-AGAGAGCGCATCTCCAGGTGCTCAAGAGCAAAGGTCTCTGCTTCCCAGCCTGAAAGGTGC[C>T]TCACCAGCTGTTTATTGACCACACACACACAGCCCAGGTGCACCAGGGCCCGGAACAGTA-3'
Protein context (NP_006222.2, residues 1443-1463): CVCVVNKQLV[Arg1453Lys]HLSGWEAETF

ClinVar aggregate classification (germline): Uncertain significance (1 of 4 stars; one submission).

Conditions:
Hereditary cancer-predisposing syndrome. Also called: Neoplastic Syndromes, Hereditary; Tumor predisposition; Hereditary Cancer Syndrome; Hereditary neoplastic syndrome. Identifiers: Orphanet 140162, MedGen C0027672, MeSH D009386, MONDO:0015356.

Submission:

Ambry Genetics
Classification: Uncertain significance for Hereditary cancer-predisposing syndrome. Last evaluated: 2026-05-14. Review status: criteria provided, single submitter. Criteria: Ambry Variant Classification Scheme 2023. Collection method: clinical testing. Allele origin: germline.
Comment: The p.R1453K variant (also known as c.4358G>A), located in coding exon 34 of the POLE gene, results from a G to A substitution at nucleotide position 4358. The arginine at codon 1453 is replaced by lysine, an amino acid with highly similar properties. This amino acid position is conserved. In addition, this alteration is predicted to be tolerated by in silico analysis. Based on the available evidence, the clinical significance of this variant remains unclear.